The following is an entry in ClinVar:

ClinVar aggregate classification (germline): Uncertain significance. Review status: criteria provided, multiple submitters, no conflicts (2 of 4 stars). 5 submissions from 3 submitters: Uncertain significance (5). Last evaluated 2023-10-03.

Conditions:
Vitelliform macular dystrophy 2. Also called: Best Vitelliform Macular Dystrophy (BVMD); MACULAR DEGENERATION, POLYMORPHIC VITELLINE; VITELLIFORM MACULAR DYSTROPHY, EARLY-ONSET; VITELLIFORM MACULAR DYSTROPHY, JUVENILE-ONSET; Best Macular Dystrophy; Best vitelliform macular dystrophy, multifocal. Identifiers: Orphanet 1243, MedGen C2745945, MONDO:0007931, OMIM 153700.
Retinitis pigmentosa (RP). Identifiers: Orphanet 791, MedGen C0035334, MeSH D012174, MONDO:0019200, OMIM 268000. Inheritance: Autosomal dominant, autosomal recessive and X linked inheritance.
Autosomal dominant vitreoretinochoroidopathy. Also called: VITREORETINOCHOROIDOPATHY, AUTOSOMAL DOMINANT, WITH NANOPHTHALMOS; Autosomal Dominant Vitreoretinochoroidopathy (ADVIRC); VITREORETINOCHOROIDOPATHY WITH MICROCORNEA, GLAUCOMA, AND CATARACT. Identifiers: Orphanet 263347, Orphanet 3086, MedGen C3888099, MONDO:0008662, OMIM 193220.

Allele frequency attached by ClinVar (database versions not stated): ExAC 0.00001; gnomAD 0.00001; gnomAD exomes 0.00001; TOPMed 0.00001.
gnomAD v4.1: 14 of 1,614,046 alleles (0.00087%); highest among the groups gnomAD compares: East Asian, 0.0067%; no homozygotes.

Submissions (5):

Labcorp Genetics (formerly Invitae), Labcorp
Classification: Uncertain significance. Last evaluated: 2023-10-03. Review status: criteria provided, single submitter. Criteria: Invitae Variant Classification Sherloc (09022015). Collection method: clinical testing. Allele origin: germline.
Comment: This sequence change replaces glutamic acid, which is acidic and polar, with lysine, which is basic and polar, at codon 423 of the BEST1 protein (p.Glu423Lys). This variant is present in population databases (rs779855350, gnomAD 0.01%). This variant has not been reported in the literature in individuals affected with BEST1-related conditions. ClinVar contains an entry for this variant (Variation ID: 877632). Algorithms developed to predict the effect of missense changes on protein structure and function output the following: SIFT: "Not Available"; PolyPhen-2: "Benign"; Align-GVGD: "Not Available". The lysine amino acid residue is found in multiple mammalian species, which suggests that this missense change does not adversely affect protein function. In summary, the available evidence is currently insufficient to determine the role of this variant in disease. Therefore, it has been classified as a Variant of Uncertain Significance.

Blueprint Genetics
Classification: Uncertain significance. Last evaluated: 2018-03-14. Review status: criteria provided, single submitter. Criteria: ACMG Guidelines, 2015. Collection method: clinical testing. Allele origin: germline.

Illumina Laboratory Services, Illumina
Classification: Uncertain significance for Autosomal dominant vitreoretinochoroidopathy. Last evaluated: 2018-01-13. Review status: criteria provided, single submitter. Criteria: ICSL Variant Classification Criteria 13 December 2019. Collection method: clinical testing. Allele origin: germline.

Illumina Laboratory Services, Illumina
Classification: Uncertain significance for Vitelliform macular dystrophy 2. Last evaluated: 2018-01-13. Review status: criteria provided, single submitter. Criteria: ICSL Variant Classification Criteria 13 December 2019. Collection method: clinical testing. Allele origin: germline.

Illumina Laboratory Services, Illumina
Classification: Uncertain significance for Retinitis pigmentosa. Last evaluated: 2018-01-13. Review status: criteria provided, single submitter. Criteria: ICSL Variant Classification Criteria 13 December 2019. Collection method: clinical testing. Allele origin: germline.

NM_004183.4(BEST1):c.1267G>A (p.Glu423Lys)

Gene: BEST1 (bestrophin 1; plus strand). Cytogenetic location: 11q12.3.
Variant type: single nucleotide variant.
Coding change: c.1267G>A on transcript NM_004183.4 (MANE Select); coding-DNA position 1267, G replaced by A.
Protein change: p.Glu423Lys; replaces glutamic acid 423 with lysine.
Molecular consequence: missense variant. On other transcripts: non-coding transcript variant (1).
Genome position (GRCh38, 1-based): chr11:61,962,421, G>A. VCF-style: chr11-61962421-G-A. GRCh37 (hg19) VCF-style: chr11-61729893-G-A.
Other names: c.1087G>A, p.Glu363Lys (NM_001139443.3, NM_001300787.2); c.1006G>A, p.Glu336Lys (NM_001300786.2); c.949G>A, p.Glu317Lys (NM_001363591.3); c.*162G>A (NM_001363592.2); c.295G>A, p.Glu99Lys (NM_001363593.3); short protein forms E363K, E99K, E423K, E317K, E336K.
Identifiers: ClinVar variation 877632 (VCV000877632.14), dbSNP rs779855350, ClinGen allele CA6041028.
Genomic context (GRCh38, chr11:61,962,421, plus strand): 5'-CCTCCCAGGGCAAACTCAAGGACCAAACTACTGTGGCCCAAGAGGGAATCCCTTCTCCAC[G>A]AGGGCCTGCCCAAAAACCACAAGGCAGCCAAACAGAACGTTAGGGGCCAGGAAGACAACA-3'
Protein context (NP_004174.1, residues 413-433): LWPKRESLLH[Glu423Lys]GLPKNHKAAK